The following is an entry in ClinVar:

ClinVar aggregate classification (germline): Uncertain significance (0 of 4 stars; one submission).

Conditions:
FREM2-related disorder. Also called: FREM2-related condition.

gnomAD v4.1: 9 of 1,614,100 alleles (0.00056%); highest among the groups gnomAD compares: South Asian, 0.0022%; no homozygotes.

Submission:

PreventionGenetics, part of Exact Sciences
Classification: Uncertain significance for FREM2-related condition. Last evaluated: 2024-04-23. Review status: no assertion criteria provided. Collection method: clinical testing. Allele origin: germline.
Comment: The FREM2 c.4223G>A variant is predicted to result in the amino acid substitution p.Arg1408His. To our knowledge, this variant has not been reported in the literature. This variant is reported in 0.0029% of alleles in individuals of Latino descent in gnomAD. At this time, the clinical significance of this variant is uncertain due to the absence of conclusive functional and genetic evidence.

NM_207361.6(FREM2):c.4223G>A (p.Arg1408His)

Gene: FREM2 (FRAS1 related extracellular matrix 2; plus strand). Cytogenetic location: 13q13.3.
Variant type: single nucleotide variant.
Coding change: c.4223G>A on transcript NM_207361.6 (MANE Select); coding-DNA position 4223, G replaced by A.
Protein change: p.Arg1408His; replaces arginine 1408 with histidine.
Molecular consequence: missense variant.
Genome position (GRCh38, 1-based): chr13:38,691,567, G>A. VCF-style: chr13-38691567-G-A. GRCh37 (hg19) VCF-style: chr13-39265704-G-A.
Other names: short protein forms R1408H.
Identifiers: ClinVar variation 3344729 (VCV003344729.1).
Genomic context (GRCh38, chr13:38,691,567, plus strand): 5'-AGGGCATTCGGGACCTAATTAAATTTGATGTGACTGATGGAATAAATCCCCTCATAGATC[G>A]TTACTTTTATGTGTCCATCGGGAGCATTGACATTGTCTTCCCTGATGTGATAAGTAAGGG-3'
Protein context (NP_997244.4, residues 1398-1418): VTDGINPLID[Arg1408His]YFYVSIGSID